The following is an entry in ClinVar:

ClinVar aggregate classification (germline): Benign. Review status: criteria provided, multiple submitters, no conflicts (2 of 4 stars). 13 submissions from 12 submitters: Benign (13). Last evaluated 2026-02-04.

Conditions:
Hereditary cancer-predisposing syndrome. Also called: Hereditary Cancer Syndrome; Tumor predisposition; Hereditary neoplastic syndrome; Neoplastic Syndromes, Hereditary. Identifiers: Orphanet 140162, MedGen C0027672, MeSH D009386, MONDO:0015356.
Holoprosencephaly 7 (HPE7). Identifiers: Orphanet 2162, MedGen C1835820, MONDO:0012562, OMIM 610828.
Gorlin syndrome. Also called: Basal cell nevus syndrome; Nevoid Basal Cell Carcinoma Syndrome. Identifiers: Orphanet 377, MedGen C0004779, MONDO:0007187.

Allele frequency attached by ClinVar (database versions not stated): 1000 Genomes Project 30x 0.08854; 1000 Genomes Project 0.09185; TOPMed 0.13868; gnomAD 0.15306 and 0.15395; ESP Exome Variant Server 0.15754; gnomAD exomes 0.17187; ExAC 0.17388.
gnomAD v4.1: 314,190 of 1,613,506 alleles (19%); highest among the groups gnomAD compares: Non-Finnish European, 21%; 33,080 homozygotes.

Submissions (13):

Labcorp Genetics (formerly Invitae), Labcorp
Classification: Benign for Gorlin syndrome. Last evaluated: 2026-02-04. Review status: criteria provided, single submitter. Criteria: Invitae Variant Classification Sherloc (09022015). Collection method: clinical testing. Allele origin: germline.

ARUP Laboratories, Molecular Genetics and Genomics, ARUP Laboratories
Classification: Benign. Last evaluated: 2025-07-30. Review status: criteria provided, single submitter. Criteria: ARUP Molecular Germline Variant Investigation Process 2024. Collection method: clinical testing. Allele origin: germline.

Hereditary Cancer Laboratory, Hospital Universitario 12 de Octubre
Classification: Benign for Hereditary cancer-predisposing syndrome. Last evaluated: 2025-05-04. Review status: criteria provided, single submitter. Criteria: ACMG Guidelines, 2015. Collection method: clinical testing. Allele origin: germline.
Comment: BA1+BP6+BP7

Blueprint Genetics
Classification: Benign. Last evaluated: 2024-11-27. Review status: criteria provided, single submitter. Criteria: ACMG Guidelines, 2015. Collection method: clinical testing. Allele origin: germline.

KCCC/NGS Laboratory, Kuwait Cancer Control Center
Classification: Benign for Basal cell nevus syndrome 1. Last evaluated: 2023-07-07. Review status: criteria provided, single submitter. Criteria: ACMG Guidelines, 2015. Collection method: clinical testing. Allele origin: germline. Affected: yes.

Mayo Clinic Laboratories, Mayo Clinic
Classification: Benign. Last evaluated: 2021-12-17. Review status: criteria provided, single submitter. Criteria: ACMG Guidelines, 2015. Collection method: clinical testing. Allele origin: germline. Observed: 88 variant alleles.

Illumina Laboratory Services, Illumina
Classification: Benign for Basal cell nevus syndrome 1. Last evaluated: 2018-01-12. Review status: criteria provided, single submitter. Criteria: ICSL Variant Classification Criteria 13 December 2019. Collection method: clinical testing. Allele origin: germline.
Comment: This variant was observed in the ICSL laboratory as part of a predisposition screen in an ostensibly healthy population. It had not been previously curated by ICSL or reported in the Human Gene Mutation Database (HGMD: prior to June 1st, 2018), and was therefore a candidate for classification through an automated scoring system. Utilizing variant allele frequency, disease prevalence and penetrance estimates, and inheritance mode, an automated score was calculated to assess if this variant is too frequent to cause the disease. Based on the score and internal cut-off values, a variant classified as benign is not then subjected to further curation. The score for this variant resulted in a classification of benign for this disease.

Illumina Laboratory Services, Illumina
Classification: Benign for Holoprosencephaly 7. Last evaluated: 2018-01-12. Review status: criteria provided, single submitter. Criteria: ICSL Variant Classification Criteria 13 December 2019. Collection method: clinical testing. Allele origin: germline.
Comment: the same text as in the submission from Illumina Laboratory Services, Illumina above.

Women's Health and Genetics/Laboratory Corporation of America, LabCorp
Classification: Benign. Last evaluated: 2016-05-24. Review status: criteria provided, single submitter. Criteria: LabCorp Variant Classification Summary - May 2015. Collection method: clinical testing. Allele origin: germline.
Comment: Variant summary: The PTCH1 c.1686C>T (p.Ala562Ala) variant causes a synonymous change involving a non-conserved nucleotide with 4/5 splice prediction tools predicting no significant impact on splicing or ESE binding, although these predictions have yet to be functionally assessed. The variant of interest was observed in the large, broad control population, ExAC, with an allele frequency of 20642/118716 (2070 homozygotes, 1/5, frequency: 0.1738772), which significantly exceeds the estimated maximal expected allele frequency for a pathogenic PTCH1 variant of 1/58479 (0.0000171), suggesting this variant is likely a benign polymorphism. In addition, the variant has been indicated to co-occur with other pathogenic PTCH1 variants, c.2011_2012dup and c.3050_3051del, in affected individuals via publications. Therefore, taking all available lines of evidence into consideration, the variant of interest is classified as Benign.

GeneDx
Classification: Benign. Last evaluated: 2015-03-03. Review status: criteria provided, single submitter. Criteria: GeneDx Variant Classification Process June 2021. Collection method: clinical testing. Allele origin: germline. Affected: yes.

Ambry Genetics
Classification: Benign for Hereditary cancer-predisposing syndrome. Last evaluated: 2014-12-03. Review status: criteria provided, single submitter. Criteria: Ambry Variant Classification Scheme 2023. Collection method: clinical testing. Allele origin: germline.

Breakthrough Genomics
Classification: Benign. Review status: criteria provided, single submitter. Criteria: ACMG Guidelines, 2015. Collection method: not provided. Allele origin: germline. Inheritance: Autosomal dominant inheritance. Affected: yes.

PreventionGenetics, part of Exact Sciences
Classification: Benign. Review status: criteria provided, single submitter. Criteria: ACMG Guidelines, 2015. Collection method: clinical testing. Allele origin: germline.

Literature cited by the submitters: PubMed 15712338 (cited by Women's Health and Genetics/Laboratory Corporation of America, LabCorp).

NM_000264.5(PTCH1):c.1686C>T (p.Ala562=)

Gene: PTCH1 (patched 1; minus strand). Cytogenetic location: 9q22.32.
Variant type: single nucleotide variant.
Coding change: c.1686C>T on transcript NM_000264.5 (MANE Select); coding-DNA position 1686, C replaced by T.
Protein change: p.Ala562=; no amino-acid change (alanine 562 retained).
Molecular consequence: synonymous variant. On other transcripts: non-coding transcript variant (1).
Genome position (GRCh38, 1-based): chr9:95,476,076, G>A on the plus strand (C>T on the coding strand, the complement: PTCH1 is on the minus strand). VCF-style: chr9-95476076-G-A. GRCh37 (hg19) VCF-style: chr9-98238358-G-A.
Other names: p.Ala562=; c.1488C>T, p.Ala496= (NM_001083602.3); c.1683C>T, p.Ala561= (NM_001083603.3); c.1233C>T, p.Ala411= (NM_001083604.3, NM_001083605.3, NM_001083606.3 and 1 more transcripts); c.1530C>T, p.Ala510= (NM_001354918.2).
Identifiers: ClinVar variation 255670 (VCV000255670.38), dbSNP rs2066836, ClinGen allele CA5138585.